The following is an entry in ClinVar:

ClinVar aggregate classification (germline): Uncertain significance (1 of 4 stars; one submission).

Allele frequency attached by ClinVar (database versions not stated): gnomAD 0.00001; TOPMed 0.00002; gnomAD exomes 0.00003.
gnomAD v4.1: 41 of 1,614,108 alleles (0.0025%); highest among the groups gnomAD compares: African/African-American, 0.004%; no homozygotes.

Submission:

Labcorp Genetics (formerly Invitae), Labcorp
Classification: Uncertain significance. Last evaluated: 2024-11-04. Review status: criteria provided, single submitter. Criteria: Invitae Variant Classification Sherloc (09022015). Collection method: clinical testing. Allele origin: germline.
Comment: This sequence change replaces alanine, which is neutral and non-polar, with threonine, which is neutral and polar, at codon 369 of the TNFAIP3 protein (p.Ala369Thr). This variant is present in population databases (no rsID available, gnomAD 0.003%). This variant has not been reported in the literature in individuals affected with TNFAIP3-related conditions. ClinVar contains an entry for this variant (Variation ID: 1988867). Invitae Evidence Modeling of protein sequence and biophysical properties (such as structural, functional, and spatial information, amino acid conservation, physicochemical variation, residue mobility, and thermodynamic stability) indicates that this missense variant is not expected to disrupt TNFAIP3 protein function with a negative predictive value of 80%. In summary, the available evidence is currently insufficient to determine the role of this variant in disease. Therefore, it has been classified as a Variant of Uncertain Significance.

NM_001270508.2(TNFAIP3):c.1105G>A (p.Ala369Thr)

Gene: TNFAIP3 (TNF alpha induced protein 3; plus strand). Cytogenetic location: 6q23.3.
Variant type: single nucleotide variant.
Coding change: c.1105G>A on transcript NM_001270508.2 (MANE Select); coding-DNA position 1105, G replaced by A.
Protein change: p.Ala369Thr; replaces alanine 369 with threonine.
Molecular consequence: missense variant.
Genome position (GRCh38, 1-based): chr6:137,878,550, G>A. VCF-style: chr6-137878550-G-A. GRCh37 (hg19) VCF-style: chr6-138199687-G-A.
Other names: c.1105G>A, p.Ala369Thr (NM_001270507.2, NM_006290.4); short protein forms A369T.
Identifiers: ClinVar variation 1988867 (VCV001988867.4), dbSNP rs1035582992, ClinGen allele CA148262924.